The following is an entry in ClinVar:

NM_030662.4(MAP2K2):c.376A>G (p.Asn126Asp)

Gene: MAP2K2 (mitogen-activated protein kinase kinase 2; minus strand). Cytogenetic location: 19p13.3.
Variant type: single nucleotide variant.
Coding change: c.376A>G on transcript NM_030662.4 (MANE Select); coding-DNA position 376, A replaced by G.
Protein change: p.Asn126Asp; replaces asparagine 126 with aspartic acid.
Molecular consequence: missense variant.
Genome position (GRCh38, 1-based): chr19:4,110,583, T>C on the plus strand (A>G on the coding strand, the complement: MAP2K2 is on the minus strand). VCF-style: chr19-4110583-T-C. GRCh37 (hg19) VCF-style: chr19-4110581-T-C.
Other names: short protein forms N126D.
Identifiers: ClinVar variation 376176 (VCV000376176.11), dbSNP rs1057519806, ClinGen allele CA16602631.
Genomic context (GRCh38, chr19:4,110,583, plus strand): 5'-AAATGCTGATCTCCCCGTCACTGTAGAAGGCCCCGTAGAAGCCCACGATGTACGGCGAGT[T>C]GCATTCGTGCAGGACCTGCAGCTCGCGGATGATCTGGTTCCGGATGGCCGGCTTGATCTC-3'
Protein context (NP_109587.1, residues 116-136): IRELQVLHEC[Asn126Asp]SPYIVGFYGA

ClinVar aggregate classification (germline): Pathogenic/Likely pathogenic. Review status: criteria provided, multiple submitters, no conflicts (2 of 4 stars). 3 submissions from 3 submitters: Pathogenic (1); Likely pathogenic (1). 1 of the submissions does not count toward it. Last evaluated 2021-08-19.

Conditions:
Cardio-facio-cutaneous syndrome. Also called: Cardiofaciocutaneous syndrome; CFC syndrome. Identifiers: Orphanet 1340, MedGen C1275081, MONDO:0015280. Disease mechanism: gain of function.
Cardiofaciocutaneous syndrome 4 (CFC4). Also called: MAP2K2-Related Cardiofaciocutaneous Syndrome. Identifiers: Orphanet 1340, MedGen C3809007, MONDO:0014114, OMIM 615280.
RASopathy. Also called: rasopathies; Noonan spectrum disorder. Identifiers: Orphanet 536391, MedGen C5555857, MONDO:0021060.

Submissions (3):

Labcorp Genetics (formerly Invitae), Labcorp
Classification: Likely pathogenic for RASopathy. Last evaluated: 2021-08-19. Review status: criteria provided, single submitter. Criteria: Invitae Variant Classification Sherloc (09022015). Collection method: clinical testing. Allele origin: germline.
Comment: This sequence change replaces asparagine with aspartic acid at codon 126 of the MAP2K2 protein (p.Asn126Asp). The asparagine residue is highly conserved and there is a small physicochemical difference between asparagine and aspartic acid. This variant is not present in population databases (ExAC no frequency). This missense change has been observed in individuals with clinical features of MAP2K2-related conditions (PMID: 25487361; Invitae). ClinVar contains an entry for this variant (Variation ID: 376176). Advanced modeling of protein sequence and biophysical properties (such as structural, functional, and spatial information, amino acid conservation, physicochemical variation, residue mobility, and thermodynamic stability) performed at Invitae indicates that this missense variant is expected to disrupt MAP2K2 protein function. In summary, the currently available evidence indicates that the variant is pathogenic, but additional data are needed to prove that conclusively. Therefore, this variant has been classified as Likely Pathogenic.

Institute of Human Genetics Munich, TUM University Hospital
Classification: Pathogenic for Cardiofaciocutaneous syndrome 4. Last evaluated: 2019-06-11. Review status: criteria provided, single submitter. Criteria: Classification criteria August 2017. Collection method: clinical testing. Allele origin: de novo. Inheritance: Autosomal dominant inheritance. Affected: yes. Observed: 1 heterozygote.

Service de Génétique Moléculaire, Hôpital Robert Debré
Classification: Likely pathogenic for Cardio-facio-cutaneous syndrome. Review status: no assertion criteria provided. Collection method: clinical testing. Allele origin: de novo. Affected: yes. Not counted in ClinVar's aggregate classification.

Literature cited by the submitters: PubMed 25487361 (cited by Labcorp Genetics (formerly Invitae), Labcorp).